The following is an entry in ClinVar:

ClinVar aggregate classification (germline): Benign. Review status: criteria provided, multiple submitters, no conflicts (2 of 4 stars). 2 submissions from 2 submitters: Benign (2). Last evaluated 2016-03-28.

Allele frequency attached by ClinVar (database versions not stated): ExAC 0.14506; gnomAD 0.14701; gnomAD exomes 0.14840 and 0.14952; 1000 Genomes Project 0.15575; ESP Exome Variant Server 0.15679; 1000 Genomes Project 30x 0.15740; TOPMed 0.16275.
gnomAD v4.1: 242,154 of 1,613,874 alleles (15%); highest among the groups gnomAD compares: Middle Eastern, 20%; 18,844 homozygotes.

Submissions (2):

Laboratory for Molecular Medicine, Mass General Brigham Personalized Medicine
Classification: Benign. Last evaluated: 2016-03-28. Review status: criteria provided, single submitter. Criteria: LMM Criteria. Collection method: clinical testing. Allele origin: germline.
Comment: Variant identified in a genome or exome case(s) and assessed due to predicted null impact of the variant or pathogenic assertions in the literature or databases. Disclaimer: This variant has not undergone full assessment. The following are preliminary notes: Frequency

Breakthrough Genomics
Classification: Benign. Review status: criteria provided, single submitter. Criteria: ACMG Guidelines, 2015. Collection method: not provided. Allele origin: germline. Inheritance: Unknown mechanism. Affected: yes.

NM_001323572.2(CCP110):c.1125G>A (p.Met375Ile)

Gene: CCP110 (centriolar coiled-coil protein 110; plus strand). Cytogenetic location: 16p12.3.
Variant type: single nucleotide variant.
Coding change: c.1125G>A on transcript NM_001323572.2 (MANE Select); coding-DNA position 1125, G replaced by A.
Protein change: p.Met375Ile; replaces methionine 375 with isoleucine.
Molecular consequence: missense variant.
Genome position (GRCh38, 1-based): chr16:19,536,794, G>A. VCF-style: chr16-19536794-G-A. GRCh37 (hg19) VCF-style: chr16-19548116-G-A.
Other names: c.1125G>A, p.Met375Ile (NM_001199022.3, NM_001323569.2, NM_001323570.2 and 4 more transcripts); short protein forms M375I.
Identifiers: ClinVar variation 402513 (VCV000402513.5), dbSNP rs7190666, ClinGen allele CA7935382.
Genomic context (GRCh38, chr16:19,536,794, plus strand): 5'-AAGTCTTACAGGTTCATATGCCAAATTACCTAGTCCAGAGCCAAGTATGAGTCCTAAAAT[G>A]CACCGAAGACGTTCCAGGACATCATCAGCGTGTCATATACTTATAAATAACCCAATAAAT-3'
Protein context (NP_001310501.1, residues 365-385): PSPEPSMSPK[Met375Ile]HRRRSRTSSA